The following is an entry in ClinVar:

ClinVar aggregate classification (germline): Pathogenic (1 of 4 stars; one submission).

Submission:

Labcorp Genetics (formerly Invitae), Labcorp
Classification: Pathogenic. Last evaluated: 2025-08-14. Review status: criteria provided, single submitter. Criteria: Invitae Variant Classification Sherloc (09022015). Collection method: clinical testing. Allele origin: germline.
Comment: This sequence change creates a premature translational stop signal (p.Ala40Profs*11) in the PYCR1 gene. It is expected to result in an absent or disrupted protein product. Loss-of-function variants in PYCR1 are known to be pathogenic (PMID: 19648921). This variant is not present in population databases (gnomAD no frequency). This variant has not been reported in the literature in individuals affected with PYCR1-related conditions. For these reasons, this variant has been classified as Pathogenic.

Literature cited by the submitters: PubMed 19648921.

NM_006907.4(PYCR1):c.118del (p.Ala40fs)

Gene: PYCR1 (pyrroline-5-carboxylate reductase 1; minus strand). Cytogenetic location: 17q25.3.
Variant type: Deletion.
Coding change: c.118del on transcript NM_006907.4 (MANE Select); coding-DNA position 118, one base deleted (G; older notation c.118delG).
Protein change: p.Ala40fs; shifts the reading frame from alanine 40.
Molecular consequence: frameshift variant.
Genome position (GRCh38, 1-based): chr17:81,936,143, C deleted on the plus strand (G on the coding strand, the reverse complement: PYCR1 is on the minus strand); the first of 2 consecutive C bases (chr17:81,936,143-81,936,144); deleting either gives the same sequence. VCF-style (leftmost placement, unchanged base first): chr17-81936142-GC-G. GRCh37 (hg19) VCF-style: chr17-79894018-GC-G.
Other names: c.118del, p.Ala40fs (NM_001282279.2, NM_001282280.2, NM_001330523.2 and 1 more transcripts); c.199del, p.Ala67fs (NM_001282281.2); short protein forms A67fs, A40fs.
Identifiers: ClinVar variation 4720032 (VCV004720032.1).
Genomic context (GRCh38, chr17:81,936,142, plus strand): 5'-ACAGGGACTCAGTCTCCTTTCTCCCTTTCATCTGCACCTACCCTGAGAGCAGAAACTGTG[GC>G]CAGGTCCATGTCTGGGGAGCTAGCCATTATCTTGTGGGCAGCCAAGACGCCTGAGGGGAG-3'